The following is an entry in ClinVar:

ClinVar aggregate classification (germline): Uncertain significance. Review status: criteria provided, multiple submitters, no conflicts (2 of 4 stars). 2 submissions from 2 submitters: Uncertain significance (2). Last evaluated 2024-10-29.

Conditions:
Brugada syndrome. Also called: Sudden unexpected nocturnal death syndrome; Sudden unexplained nocturnal death syndrome; Sudden Unexplained Death Syndrome; Sudden Unexplained Nocturnal Death Syndrome (SUNDS). Identifiers: Orphanet 130, MedGen C1142166, MONDO:0015263.

gnomAD v4.1: 2 of 1,613,460 alleles (0.00012%); highest among the groups gnomAD compares: African/African-American, 0.0013%; no homozygotes.

Submissions (2):

Labcorp Genetics (formerly Invitae), Labcorp
Classification: Uncertain significance for Brugada syndrome. Last evaluated: 2024-10-29. Review status: criteria provided, single submitter. Criteria: Invitae Variant Classification Sherloc (09022015). Collection method: clinical testing. Allele origin: germline.
Comment: This sequence change affects a donor splice site in intron 22 of the SCN10A gene. It is expected to disrupt RNA splicing. Variants that disrupt the donor or acceptor splice site typically lead to a loss of protein function (PMID: 16199547), however the current clinical and genetic evidence is not sufficient to establish whether loss-of-function variants in SCN10A cause disease. This variant is not present in population databases (gnomAD no frequency). This variant has not been reported in the literature in individuals affected with SCN10A-related conditions. ClinVar contains an entry for this variant (Variation ID: 1314276). Algorithms developed to predict the effect of sequence changes on RNA splicing suggest that this variant may disrupt the consensus splice site. In summary, the available evidence is currently insufficient to determine the role of this variant in disease. Therefore, it has been classified as a Variant of Uncertain Significance.

GeneDx
Classification: Uncertain significance. Last evaluated: 2021-04-05. Review status: criteria provided, single submitter. Criteria: GeneDx Variant Classification Process June 2021. Collection method: clinical testing. Allele origin: germline. Affected: yes.
Comment: Has not been previously published as pathogenic or benign to our knowledge; Not observed in large population cohorts (Lek et al., 2016); Canonical splice site variant with an unclear effect on protein function

Literature cited by the submitters: PubMed 16199547 (cited by Labcorp Genetics (formerly Invitae), Labcorp).

NM_006514.4(SCN10A):c.4089+1G>A

Gene: SCN10A (sodium voltage-gated channel alpha subunit 10; minus strand). Cytogenetic location: 3p22.2.
Variant type: single nucleotide variant.
Coding change: c.4089+1G>A on transcript NM_006514.4 (MANE Select); the canonical splice donor site of the intron after coding-DNA position 4089, G replaced by A.
Molecular consequence: splice donor variant.
Genome position (GRCh38, 1-based): chr3:38,712,160, C>T on the plus strand (G>A on the coding strand, the complement: SCN10A is on the minus strand). VCF-style: chr3-38712160-C-T. GRCh37 (hg19) VCF-style: chr3-38753651-C-T.
Other names: c.3795+1G>A (NM_001293307.2); c.4086+1G>A (NM_001293306.2).
Identifiers: ClinVar variation 1314276 (VCV001314276.7), dbSNP rs778498254, ClinGen allele CA352150438.